The following is an entry in ClinVar:

NM_001035.3(RYR2):c.11205C>T (p.Gly3735=)

Gene: RYR2 (ryanodine receptor 2; plus strand). Cytogenetic location: 1q43.
Variant type: single nucleotide variant.
Coding change: c.11205C>T on transcript NM_001035.3 (MANE Select); coding-DNA position 11205, C replaced by T.
Protein change: p.Gly3735=; no amino-acid change (glycine 3735 retained).
Molecular consequence: synonymous variant.
Genome position (GRCh38, 1-based): chr1:237,756,347, C>T. VCF-style: chr1-237756347-C-T. GRCh37 (hg19) VCF-style: chr1-237919647-C-T.
Identifiers: ClinVar variation 1348710 (VCV001348710.16), dbSNP rs756763032, ClinGen allele CA084815.
Genomic context (GRCh38, chr1:237,756,347, plus strand): 5'-GGAAAAAGAAATGGAAAAGCAAAAGCTTCTATACCAGCAAGCCCGACTCCACGATCGTGG[C>T]GCGGCTGAGATGGTGCTACAGACAATCAGTGCCAGCAAAGGTAAGGTTCCTTGAGTTCCC-3'
Protein context (NP_001026.2, residues 3725-3745): LYQQARLHDR[Gly3735=]AAEMVLQTIS

ClinVar aggregate classification (germline): Likely benign. Review status: criteria provided, multiple submitters, no conflicts (2 of 4 stars). 6 submissions from 6 submitters: Likely benign (6). Last evaluated 2026-06-01.

Conditions:
Catecholaminergic polymorphic ventricular tachycardia (CVPT). Also called: Catecholamine-induced polymorphic ventricular tachycardia. Identifiers: Orphanet 3286, MedGen C5574922, MONDO:0017990.
Cardiovascular phenotype. Identifiers: MedGen CN230736.
Cardiomyopathy (CMYO). Also called: Cardiomyopathies. Identifiers: Orphanet 167848, MedGen C0878544, MONDO:0004994, HP:0001638. Inheritance: Various modes of inheritance.
Catecholaminergic polymorphic ventricular tachycardia 1. Also called: RYR2-Related Catecholaminergic Polymorphic Ventricular Tachycardia; VENTRICULAR TACHYCARDIA, CATECHOLAMINERGIC POLYMORPHIC, 1, WITH OR WITHOUT ATRIAL DYSFUNCTION AND/OR DILATED CARDIOMYOPATHY; VENTRICULAR TACHYCARDIA, STRESS-INDUCED POLYMORPHIC 1. Identifiers: Orphanet 3286, MedGen C1631597, MONDO:0011484, OMIM 604772.

Allele frequency attached by ClinVar (database versions not stated): ExAC 0.00001; gnomAD 0.00001; gnomAD exomes 0.00001; TOPMed 0.00002.
gnomAD v4.1: 12 of 1,613,264 alleles (0.00074%); highest among the groups gnomAD compares: Admixed American, 0.0083%; no homozygotes.

Submissions (6):

CeGaT Center for Human Genetics Tuebingen
Classification: Likely benign. Last evaluated: 2026-06-01. Review status: criteria provided, single submitter. Criteria: CeGaT Center For Human Genetics Tuebingen Variant Classification Criteria Version 2. Collection method: clinical testing. Allele origin: germline. Affected: yes. Observed: 1 variant allele.
Comment: RYR2: BP4, BP7

Labcorp Genetics (formerly Invitae), Labcorp
Classification: Likely benign for Catecholaminergic polymorphic ventricular tachycardia 1. Last evaluated: 2026-02-04. Review status: criteria provided, single submitter. Criteria: Invitae Variant Classification Sherloc (09022015). Collection method: clinical testing. Allele origin: germline.

All of Us Research Program, National Institutes of Health
Classification: Likely benign for Catecholaminergic polymorphic ventricular tachycardia. Last evaluated: 2024-08-13. Review status: criteria provided, single submitter. Criteria: ACMG Guidelines, 2015. Collection method: clinical testing. Allele origin: germline. Inheritance: Autosomal dominant inheritance. Observed: 1 variant allele, 1 heterozygote.
Comment: This study involves interpretation of variants in research participants for the purpose of population health screening. Participant phenotype was not available at the time of variant classification. Additional details can be found in publication PMID: 35346344, PMCID: PMC8962531

Color Diagnostics, LLC DBA Color Health
Classification: Likely benign for Cardiomyopathy. Last evaluated: 2024-07-30. Review status: criteria provided, single submitter. Criteria: ACMG Guidelines, 2015. Collection method: clinical testing. Allele origin: germline.

Women's Health and Genetics/Laboratory Corporation of America, LabCorp
Classification: Likely benign. Last evaluated: 2023-12-03. Review status: criteria provided, single submitter. Criteria: LabCorp Variant Classification Summary - May 2015. Collection method: clinical testing. Allele origin: germline.

Ambry Genetics
Classification: Likely benign for Cardiovascular phenotype. Last evaluated: 2019-10-29. Review status: criteria provided, single submitter. Criteria: Ambry Variant Classification Scheme 2023. Collection method: clinical testing. Allele origin: germline.